The following is an entry in ClinVar:

ClinVar aggregate classification (germline): Uncertain significance. Review status: criteria provided, multiple submitters, no conflicts (2 of 4 stars). 2 submissions from 2 submitters: Uncertain significance (2). Last evaluated 2025-04-29.

Conditions:
Exostoses, multiple, type 2 (EXT2). Also called: Hereditary Multiple Osteochondromatosis, Type II; EXOSTOSES, MULTIPLE, TYPE II. Identifiers: Orphanet 321, MedGen C1851413, MONDO:0007586, OMIM 133701.

Allele frequency attached by ClinVar (database versions not stated): gnomAD 0.00001 and 0.00005; gnomAD exomes 0.00001 and 0.00006; ExAC 0.00002; TOPMed 0.00002; 1000 Genomes Project 30x 0.00016; 1000 Genomes Project 0.00020.

Submissions (2):

Labcorp Genetics (formerly Invitae), Labcorp
Classification: Uncertain significance for Exostoses, multiple, type 2. Last evaluated: 2025-04-29. Review status: criteria provided, single submitter. Criteria: Invitae Variant Classification Sherloc (09022015). Collection method: clinical testing. Allele origin: germline.
Comment: This sequence change replaces threonine, which is neutral and polar, with methionine, which is neutral and non-polar, at codon 89 of the EXT2 protein (p.Thr89Met). This variant is present in population databases (rs143048174, gnomAD 0.006%). This variant has not been reported in the literature in individuals affected with EXT2-related conditions. ClinVar contains an entry for this variant (Variation ID: 1414093). Invitae Evidence Modeling of protein sequence and biophysical properties (such as structural, functional, and spatial information, amino acid conservation, physicochemical variation, residue mobility, and thermodynamic stability) has been performed for this missense variant. However, the output from this modeling did not meet the statistical confidence thresholds required to predict the impact of this variant on EXT2 protein function. In summary, the available evidence is currently insufficient to determine the role of this variant in disease. Therefore, it has been classified as a Variant of Uncertain Significance.

Baylor Genetics
Classification: Uncertain significance for Exostoses, multiple, type 2. Last evaluated: 2023-10-13. Review status: criteria provided, single submitter. Criteria: ACMG Guidelines, 2015. Collection method: clinical testing. Allele origin: unknown.

NM_207122.2(EXT2):c.266C>T (p.Thr89Met)

Gene: EXT2 (exostosin glycosyltransferase 2; plus strand). Cytogenetic location: 11p11.2.
Variant type: single nucleotide variant.
Coding change: c.266C>T on transcript NM_207122.2 (MANE Select); coding-DNA position 266, C replaced by T.
Protein change: p.Thr89Met; replaces threonine 89 with methionine.
Molecular consequence: missense variant.
Genome position (GRCh38, 1-based): chr11:44,107,978, C>T. VCF-style: chr11-44107978-C-T. GRCh37 (hg19) VCF-style: chr11-44129528-C-T.
Other names: c.365C>T, p.Thr122Met (NM_000401.3); c.266C>T, p.Thr89Met (NM_001178083.3, NM_001389628.1, NM_001389630.1); short protein forms T89M, T122M.
Identifiers: ClinVar variation 1414093 (VCV001414093.9), dbSNP rs143048174, ClinGen allele CA5954854.